The following is an entry in ClinVar:

ClinVar aggregate classification (germline): Uncertain significance. Review status: criteria provided, multiple submitters, no conflicts (2 of 4 stars). 2 submissions from 2 submitters: Uncertain significance (2). Last evaluated 2024-12-16.

Conditions:
Inborn genetic diseases. Identifiers: MedGen C0950123, MeSH D030342.

Submissions (2):

GeneDx
Classification: Uncertain significance. Last evaluated: 2024-12-16. Review status: criteria provided, single submitter. Criteria: GeneDx Variant Classification Process June 2021. Collection method: clinical testing. Allele origin: germline. Affected: yes.
Comment: In silico analysis indicates that this missense variant does not alter protein structure/function; Has not been previously published as pathogenic or benign to our knowledge

Ambry Genetics
Classification: Uncertain significance for Inborn genetic diseases. Last evaluated: 2024-12-10. Review status: criteria provided, single submitter. Criteria: Ambry Variant Classification Scheme 2023. Collection method: clinical testing. Allele origin: germline.

NM_017565.4(FAM20A):c.127G>A (p.Gly43Arg)

Gene: FAM20A (FAM20A golgi associated secretory pathway pseudokinase; minus strand). Cytogenetic location: 17q24.2.
Variant type: single nucleotide variant.
Coding change: c.127G>A on transcript NM_017565.4 (MANE Select); coding-DNA position 127, G replaced by A.
Protein change: p.Gly43Arg; replaces glycine 43 with arginine.
Molecular consequence: missense variant. On other transcripts: 5 prime UTR variant (1).
Genome position (GRCh38, 1-based): chr17:68,600,540, C>T on the plus strand (G>A on the coding strand, the complement: FAM20A is on the minus strand). VCF-style: chr17-68600540-C-T. GRCh37 (hg19) VCF-style: chr17-66596681-C-T.
Other names: c.-514G>A (NM_001243746.2); short protein forms G43R.
Identifiers: ClinVar variation 3512090 (VCV003512090.2).